The following is an entry in ClinVar:

ClinVar aggregate classification (germline): Conflicting classifications of pathogenicity. Review status: criteria provided, conflicting classifications (1 of 4 stars). 2 submissions from 2 submitters: Likely pathogenic (1); Uncertain significance (1). Last evaluated 2023-05-31.

Conditions:
CASR-related disorder. Also called: CASR-related condition.
Familial hypocalciuric hypercalcemia (FHH). Also called: Familial benign hypercalcemia. Identifiers: Orphanet 405, MedGen C1809471, MONDO:0018458.
Autosomal dominant hypocalcemia 1 (HYPOC1). Also called: HYPOCALCEMIA, FAMILIAL. Identifiers: MedGen C3715128, MONDO:0011013, OMIM 601198.

Submissions (2):

Blueprint Genetics
Classification: Likely pathogenic for CASR-related disorders. Last evaluated: 2023-05-31. Review status: criteria provided, single submitter. Criteria: ACMG Guidelines, 2015. Collection method: clinical testing. Allele origin: germline. Affected: yes. Observed: 4 variant alleles.

Labcorp Genetics (formerly Invitae), Labcorp
Classification: Uncertain significance for Familial hypocalciuric hypercalcemia; Autosomal dominant hypocalcemia 1. Last evaluated: 2019-12-11. Review status: criteria provided, single submitter. Criteria: Invitae Variant Classification Sherloc (09022015). Collection method: clinical testing. Allele origin: germline.
Comment: In summary, the available evidence is currently insufficient to determine the role of this variant in disease. Therefore, it has been classified as a Variant of Uncertain Significance. Algorithms developed to predict the effect of sequence changes on RNA splicing suggest that this variant may disrupt the consensus splice site, but this prediction has not been confirmed by published transcriptional studies. Algorithms developed to predict the effect of missense changes on protein structure and function are either unavailable or do not agree on the potential impact of this missense change (SIFT: "Tolerated"; PolyPhen-2: "Possibly Damaging"; Align-GVGD: "Class C0"). This variant has not been reported in the literature in individuals with CASR-related conditions. This variant is not present in population databases (ExAC no frequency). This sequence change replaces glutamine with arginine at codon 164 of the CASR protein (p.Gln164Arg). The glutamine residue is highly conserved and there is a small physicochemical difference between glutamine and arginine.

NM_000388.4(CASR):c.491A>G (p.Gln164Arg)

Gene: CASR (calcium sensing receptor; plus strand). Cytogenetic location: 3q21.1.
Variant type: single nucleotide variant.
Coding change: c.491A>G on transcript NM_000388.4 (MANE Select); coding-DNA position 491, A replaced by G.
Protein change: p.Gln164Arg; replaces glutamine 164 with arginine.
Molecular consequence: missense variant.
Genome position (GRCh38, 1-based): chr3:122,257,386, A>G. VCF-style: chr3-122257386-A-G. GRCh37 (hg19) VCF-style: chr3-121976233-A-G.
Other names: c.491A>G, p.Gln164Arg (NM_001178065.2); short protein forms Q164R.
Identifiers: ClinVar variation 835419 (VCV000835419.11), dbSNP rs2074567065, ClinGen allele CA354363003.